The following is an entry in ClinVar:

NM_018418.5(SPATA7):c.1361dup (p.Asn454fs)

Gene: SPATA7 (spermatogenesis associated 7; plus strand). Cytogenetic location: 14q31.3.
Variant type: Duplication.
Coding change: c.1361dup on transcript NM_018418.5 (MANE Select); coding-DNA position 1361, one base duplicated (A; older notation c.1361dupA).
Protein change: p.Asn454fs; shifts the reading frame from asparagine 454.
Molecular consequence: frameshift variant.
Genome position (GRCh38, 1-based): chr14:88,437,983, A duplicated; the last of 6 consecutive A bases (chr14:88,437,978-88,437,983); duplicating any one gives the same sequence. VCF-style (leftmost placement, unchanged base first): chr14-88437977-T-TA. GRCh37 (hg19) VCF-style: chr14-88904321-T-TA.
Other names: c.1265dup, p.Asn422fs (NM_001040428.4); short protein forms N422fs, N454fs.
Identifiers: ClinVar variation 968304 (VCV000968304.9), dbSNP rs2077137130, ClinGen allele CA1139663606.

ClinVar aggregate classification (germline): Likely pathogenic (1 of 4 stars; one submission).

Conditions:
Leber congenital amaurosis 3 (LCA3). Also called: SPATA7-Related Retinitis Pigmentosa. Identifiers: MedGen C1858677, MONDO:0011415, OMIM 604232.

Submission:

Labcorp Genetics (formerly Invitae), Labcorp
Classification: Likely pathogenic for Leber congenital amaurosis 3. Last evaluated: 2019-10-24. Review status: criteria provided, single submitter. Criteria: Invitae Variant Classification Sherloc (09022015). Collection method: clinical testing. Allele origin: germline.
Comment: In summary, the currently available evidence indicates that the variant is pathogenic, but additional data are needed to prove that conclusively. Therefore, this variant has been classified as Likely Pathogenic. This variant disrupts the C-terminus of the SPATA7 protein. Other variant(s) that disrupt this region (p.Val458Glufs*48 and p.Gln465Hisfs*41) have been observed in individuals with SPATA7-related conditions (PMID: 26854980, 19268277, 23847139). This suggests that this may be a clinically significant region of the protein. This variant has not been reported in the literature in individuals with SPATA7-related conditions. This variant is not present in population databases (ExAC no frequency). This sequence change results in a premature translational stop signal in the SPATA7 gene (p.Asn454Lysfs*2). While this is not anticipated to result in nonsense mediated decay, it is expected to disrupt the last 146 amino acids of the SPATA7 protein.

Literature cited by the submitters: PubMed 26854980; PubMed 19268277; PubMed 23847139.